The following is an entry in ClinVar:

ClinVar aggregate classification (germline): Pathogenic/Likely pathogenic. Review status: criteria provided, multiple submitters, no conflicts (2 of 4 stars). 3 submissions from 3 submitters: Pathogenic (1); Likely pathogenic (2). Last evaluated 2025-12-08.

Conditions:
Niemann-Pick disease, type C1. Also called: NEUROVISCERAL STORAGE DISEASE WITH VERTICAL SUPRANUCLEAR OPHTHALMOPLEGIA; NIEMANN-PICK DISEASE WITH CHOLESTEROL ESTERIFICATION BLOCK; NIEMANN-PICK DISEASE WITHOUT SPHINGOMYELINASE DEFICIENCY; NIEMANN-PICK DISEASE, CHRONIC NEURONOPATHIC FORM; NIEMANN-PICK DISEASE, VARIANT TYPE C1. Identifiers: Orphanet 646, MedGen C3179455, MONDO:0009757, OMIM 257220.

Submissions (3):

Natera, Inc.
Classification: Likely pathogenic for Niemann-Pick disease type C1. Last evaluated: 2025-12-08. Review status: criteria provided, single submitter. Criteria: Natera Variant Classification Schema (03/2026). Collection method: clinical testing. Allele origin: germline.
Comment: The c.2179del variant in NPC1 is a frameshift variant predicted to shift the reading frame beginning at codon 727 and leads to a stop codon 2 codons downstream. This variant is expected to result in nonsense mediated decay, truncation, or a dysfunctional protein product. This variant is rare in the general population with a frequency below the threshold expected for the associated phenotype(s). Given the available evidence, this variant is classified as Likely Pathogenic.

Fulgent Genetics
Classification: Likely pathogenic for Niemann-Pick disease, type C1. Last evaluated: 2021-12-08. Review status: criteria provided, single submitter. Criteria: ACMG Guidelines, 2015. Collection method: clinical testing. Allele origin: unknown.

Labcorp Genetics (formerly Invitae), Labcorp
Classification: Pathogenic for Niemann-Pick disease, type C1. Last evaluated: 2021-04-11. Review status: criteria provided, single submitter. Criteria: Invitae Variant Classification Sherloc (09022015). Collection method: clinical testing. Allele origin: germline.
Comment: This sequence change creates a premature translational stop signal (p.Val727Serfs*2) in the NPC1 gene. It is expected to result in an absent or disrupted protein product. Loss-of-function variants in NPC1 are known to be pathogenic (PMID: 9211850). This variant is not present in population databases (ExAC no frequency). For these reasons, this variant has been classified as Pathogenic. This variant has not been reported in the literature in individuals with NPC1-related conditions.

Literature cited by the submitters: PubMed 9211850 (cited by Labcorp Genetics (formerly Invitae), Labcorp).

NM_000271.5(NPC1):c.2179del (p.Val727fs)

Gene: NPC1 (NPC intracellular cholesterol transporter 1; minus strand). Cytogenetic location: 18q11.2.
Variant type: Deletion.
Coding change: c.2179del on transcript NM_000271.5 (MANE Select); coding-DNA position 2179, one base deleted (G; older notation c.2179delG).
Protein change: p.Val727fs; shifts the reading frame from valine 727.
Molecular consequence: frameshift variant.
Genome position (GRCh38, 1-based): chr18:23,543,521, C deleted on the plus strand (G on the coding strand, the reverse complement: NPC1 is on the minus strand); the first of 3 consecutive C bases (chr18:23,543,521-23,543,523); deleting any one gives the same sequence. VCF-style (leftmost placement, unchanged base first): chr18-23543520-AC-A. GRCh37 (hg19) VCF-style: chr18-21123484-AC-A.
Other names: c.2179del (NM_000271.4); short protein forms V727fs.
Identifiers: ClinVar variation 1387257 (VCV001387257.8), dbSNP rs2145394955, ClinGen allele CA2573155262.
Genomic context (GRCh38, chr18:23,543,520, plus strand): 5'-AAAAATGCTACAGTCTCAGAAAAGGATGACAGGAACATACTGGGAGCCACTTCTCCTAGG[AC>A]CCTGCCCAGCTGCTGATCCAGGGTTTCCCCTTGAAGACGTTCATCTCTCTTAAAAAAAAA-3'